The following is an entry in ClinVar:

ClinVar aggregate classification (germline): Uncertain significance (1 of 4 stars; one submission).

Conditions:
Multiple endocrine neoplasia, type 2 (MEN2). Identifiers: Orphanet 653, MedGen C4048306, MONDO:0019003. Disease mechanism: gain of function.

Submission:

Labcorp Genetics (formerly Invitae), Labcorp
Classification: Uncertain significance for Multiple endocrine neoplasia, type 2. Last evaluated: 2021-08-06. Review status: criteria provided, single submitter. Criteria: Invitae Variant Classification Sherloc (09022015). Collection method: clinical testing. Allele origin: germline.
Comment: In summary, the available evidence is currently insufficient to determine the role of this variant in disease. Therefore, it has been classified as a Variant of Uncertain Significance. Algorithms developed to predict the effect of missense changes on protein structure and function (SIFT, PolyPhen-2, Align-GVGD) all suggest that this variant is likely to be tolerated. This variant has not been reported in the literature in individuals affected with RET-related conditions. The frequency data for this variant in the population databases is considered unreliable, as metrics indicate insufficient coverage at this position in the ExAC database. This sequence change replaces arginine with histidine at codon 12 of the RET protein (p.Arg12His). The arginine residue is weakly conserved and there is a small physicochemical difference between arginine and histidine.

NM_020975.6(RET):c.35G>A (p.Arg12His)

Gene: RET (ret proto-oncogene; plus strand). Cytogenetic location: 10q11.21.
Variant type: single nucleotide variant.
Coding change: c.35G>A on transcript NM_020975.6 (MANE Select); coding-DNA position 35, G replaced by A.
Protein change: p.Arg12His; replaces arginine 12 with histidine.
Molecular consequence: missense variant.
Genome position (GRCh38, 1-based): chr10:43,077,293, G>A. VCF-style: chr10-43077293-G-A. GRCh37 (hg19) VCF-style: chr10-43572741-G-A.
Other names: c.35G>A, p.Arg12His (NM_000323.2, NM_001406743.1, NM_001406744.1 and 38 more transcripts); short protein forms R12H.
Identifiers: ClinVar variation 1510726 (VCV001510726.7), dbSNP rs2132498277, ClinGen allele CA376768060.